The following is an entry in ClinVar:

NM_001457.4(FLNB):c.1472T>C (p.Met491Thr)

Gene: FLNB (filamin B; plus strand). Cytogenetic location: 3p14.3.
Variant type: single nucleotide variant.
Coding change: c.1472T>C on transcript NM_001457.4 (MANE Select); coding-DNA position 1472, T replaced by C.
Protein change: p.Met491Thr; replaces methionine 491 with threonine.
Molecular consequence: missense variant.
Genome position (GRCh38, 1-based): chr3:58,102,329, T>C. VCF-style: chr3-58102329-T-C. GRCh37 (hg19) VCF-style: chr3-58088056-T-C.
Other names: c.1472T>C, p.Met491Thr (NM_001164317.2, NM_001164318.2, NM_001164319.2); short protein forms M491T.
Identifiers: ClinVar variation 287869 (VCV000287869.28), dbSNP rs147575358, ClinGen allele CA2467817.
Genomic context (GRCh38, chr3:58,102,329, plus strand): 5'-AGACCACAGATTTCAAGGTTGACACCAAAGCTGCAGGAAGTGGGGAGCTCGGTGTAACCA[T>C]GAAGGGTCCTAGTAAGTGTTCCTTTGTTTCTCTATCTCAGGTGTGGTTTTGGCTAACTTT-3'
Protein context (NP_001448.2, residues 481-501): AAGSGELGVT[Met491Thr]KGPKGLEELV

ClinVar aggregate classification (germline): Benign/Likely benign. Review status: criteria provided, multiple submitters, no conflicts (2 of 4 stars). 7 submissions from 7 submitters: Benign (1); Likely benign (5). 1 of the submissions does not count toward it. Last evaluated 2026-02-02.

Conditions:
Inborn genetic diseases. Identifiers: MedGen C0950123, MeSH D030342.
FLNB-related disorder. Also called: FLNB-related condition; FLNB-related disorders. Identifiers: MedGen CN381095.

Allele frequency attached by ClinVar (database versions not stated): gnomAD exomes 0.00018 and 0.00047; ExAC 0.00067; 1000 Genomes Project 0.00180; 1000 Genomes Project 30x 0.00187; gnomAD 0.00189 and 0.00203; TOPMed 0.00225; ESP Exome Variant Server 0.00284.
gnomAD v4.1: 564 of 1,613,288 alleles (0.035%); highest among the groups gnomAD compares: African/African-American, 0.69%; 1 homozygote.

Submissions (7):

Labcorp Genetics (formerly Invitae), Labcorp
Classification: Likely benign. Last evaluated: 2026-02-02. Review status: criteria provided, single submitter. Criteria: Invitae Variant Classification Sherloc (09022015). Collection method: clinical testing. Allele origin: germline.

Ambry Genetics
Classification: Benign for Inborn genetic diseases. Last evaluated: 2022-07-30. Review status: criteria provided, single submitter. Criteria: Ambry Variant Classification Scheme 2023. Collection method: clinical testing. Allele origin: germline.

ARUP Laboratories, Molecular Genetics and Genomics, ARUP Laboratories
Classification: Likely benign. Last evaluated: 2021-01-29. Review status: criteria provided, single submitter. Criteria: ARUP Molecular Germline Variant Investigation Process 2021. Collection method: clinical testing. Allele origin: germline.

GeneDx
Classification: Likely benign. Last evaluated: 2020-09-06. Review status: criteria provided, single submitter. Criteria: GeneDx Variant Classification Process June 2021. Collection method: clinical testing. Allele origin: germline. Affected: yes.

Eurofins Ntd Llc (ga)
Classification: Likely benign. Last evaluated: 2016-06-03. Review status: criteria provided, single submitter. Criteria: EGL Classification Definitions 2015. Collection method: clinical testing. Allele origin: germline. Observed: 1 variant allele, 1 heterozygote.

Breakthrough Genomics
Classification: Likely benign. Review status: criteria provided, single submitter. Criteria: ACMG Guidelines, 2015. Collection method: not provided. Allele origin: germline. Inheritance: Autosomal recessive inheritance. Affected: yes.

PreventionGenetics, part of Exact Sciences
Classification: Benign for FLNB-related condition. Last evaluated: 2020-02-25. Review status: no assertion criteria provided. Collection method: clinical testing. Allele origin: germline. Not counted in ClinVar's aggregate classification.
Comment: This variant is classified as benign based on ACMG/AMP sequence variant interpretation guidelines (Richards et al. 2015 PMID: 25741868, with internal and published modifications).